The following is an entry in ClinVar:

NM_213599.3(ANO5):c.1801-9T>C

Gene: ANO5 (anoctamin 5; plus strand). Cytogenetic location: 11p14.3.
Variant type: single nucleotide variant.
Coding change: c.1801-9T>C on transcript NM_213599.3 (MANE Select); 9 bases into the intron before coding-DNA position 1801, T replaced by C.
Molecular consequence: intron variant.
Genome position (GRCh38, 1-based): chr11:22,262,937, T>C. VCF-style: chr11-22262937-T-C. GRCh37 (hg19) VCF-style: chr11-22284483-T-C.
Other names: c.1798-9T>C (NM_001142649.2).
Identifiers: ClinVar variation 304103 (VCV000304103.22), dbSNP rs202034123, ClinGen allele CA5923365.

ClinVar aggregate classification (germline): Conflicting classifications of pathogenicity. Review status: criteria provided, conflicting classifications (1 of 4 stars). 4 submissions from 4 submitters: Uncertain significance (2); Likely benign (1). 1 of the submissions does not count toward it. Last evaluated 2025-12-11.

Conditions:
ANO5-related disorder. Also called: ANO5-related disorders; ANO5-related condition. Identifiers: MedGen CN239193.
Autosomal recessive limb-girdle muscular dystrophy type 2L (LGMDR12). Also called: MUSCULAR DYSTROPHY, LIMB-GIRDLE, AUTOSOMAL RECESSIVE 12; Limb-girdle muscular dystrophy, type 2L; Limb-Girdle Muscular Dystrophy R12 Anoctamin-5-Related (LGMD-R12). Identifiers: Orphanet 206549, MedGen C1969785, MONDO:0012652, OMIM 611307.
Gnathodiaphyseal dysplasia (GDD). Also called: OSTEOGENESIS IMPERFECTA WITH UNUSUAL SKELETAL LESIONS; GNATHODIAPHYSEAL SCLEROSIS. Identifiers: Orphanet 53697, MedGen C1833736, MONDO:0008151, OMIM 166260.
ANO5-Related Muscle Diseases. Identifiers: MedGen CN180644.

Allele frequency attached by ClinVar (database versions not stated): gnomAD 0.00001; TOPMed 0.00002; gnomAD exomes 0.00004 and 0.00005; ExAC 0.00005; 1000 Genomes Project 30x 0.00016; 1000 Genomes Project 0.00020.

Submissions (4):

Labcorp Genetics (formerly Invitae), Labcorp
Classification: Likely benign for Autosomal recessive limb-girdle muscular dystrophy type 2L; Gnathodiaphyseal dysplasia. Last evaluated: 2025-12-11. Review status: criteria provided, single submitter. Criteria: Invitae Variant Classification Sherloc (09022015). Collection method: clinical testing. Allele origin: germline.

Eurofins Ntd Llc (ga)
Classification: Uncertain significance. Last evaluated: 2018-04-13. Review status: criteria provided, single submitter. Criteria: EGL ClinVar v180209 classification definitions. Collection method: clinical testing. Allele origin: germline. Observed: 1 variant allele, 1 heterozygote.

Illumina Laboratory Services, Illumina
Classification: Uncertain significance for ANO5-Related Muscle Diseases. Last evaluated: 2018-01-13. Review status: criteria provided, single submitter. Criteria: ICSL Variant Classification Criteria 13 December 2019. Collection method: clinical testing. Allele origin: germline.

PreventionGenetics, part of Exact Sciences
Classification: Likely benign for ANO5-related condition. Last evaluated: 2023-08-30. Review status: no assertion criteria provided. Collection method: clinical testing. Allele origin: germline. Not counted in ClinVar's aggregate classification.
Comment: This variant is classified as likely benign based on ACMG/AMP sequence variant interpretation guidelines (Richards et al. 2015 PMID: 25741868, with internal and published modifications).